The following is an entry in ClinVar:

ClinVar aggregate classification (germline): Likely benign. Review status: criteria provided, multiple submitters, no conflicts (2 of 4 stars). 2 submissions from 2 submitters: Likely benign (2). Last evaluated 2025-10-01.

Conditions:
DICER1-related tumor predisposition. Also called: DICER1-related pleuropulmonary blastoma cancer predisposition syndrome; DICER1 syndrome. Identifiers: Orphanet 284343, MedGen C3839822, MONDO:0100216.

Submissions (2):

CeGaT Center for Human Genetics Tuebingen
Classification: Likely benign. Last evaluated: 2025-10-01. Review status: criteria provided, single submitter. Criteria: CeGaT Center For Human Genetics Tuebingen Variant Classification Criteria Version 2. Collection method: clinical testing. Allele origin: germline. Affected: yes. Observed: 1 variant allele.
Comment: DICER1: PM2:Supporting, BP4, BP7

Labcorp Genetics (formerly Invitae), Labcorp
Classification: Likely benign for DICER1-related tumor predisposition. Last evaluated: 2025-07-29. Review status: criteria provided, single submitter. Criteria: Invitae Variant Classification Sherloc (09022015). Collection method: clinical testing. Allele origin: germline.

NM_177438.3(DICER1):c.2565A>T (p.Ser855=)

Gene: DICER1 (dicer 1, ribonuclease III; minus strand). Cytogenetic location: 14q32.13.
Variant type: single nucleotide variant.
Coding change: c.2565A>T on transcript NM_177438.3 (MANE Select); coding-DNA position 2565, A replaced by T.
Protein change: p.Ser855=; no amino-acid change (serine 855 retained).
Molecular consequence: synonymous variant.
Genome position (GRCh38, 1-based): chr14:95,107,965, T>A on the plus strand (A>T on the coding strand, the complement: DICER1 is on the minus strand). VCF-style: chr14-95107965-T-A. GRCh37 (hg19) VCF-style: chr14-95574302-T-A.
Other names: c.2565A>T, p.Ser855= (NM_001195573.1, NM_001271282.3, NM_001291628.2 and 1 more transcripts).
Identifiers: ClinVar variation 1111720 (VCV001111720.16), dbSNP rs752565186, ClinGen allele CA487844828.
Genomic context (GRCh38, chr14:95,107,965, plus strand): 5'-TGCTGAATCAGCGTCTGTAGGTTTAAATTCTAGTGCAGGTTTTTCAAGCCGAAGAATATG[T>A]GAGAATATATACTGGTGAAGTCTTGTAATCAACTCAAGCATTTGTAGAGACAACATGAAA-3'
Protein context (NP_803187.1, residues 845-865): LITRLHQYIF[Ser855=]HILRLEKPAL